The following is an entry in ClinVar:

NM_014679.5(CEP57):c.903T>A (p.His301Gln)

Gene: CEP57 (centrosomal protein 57; plus strand). Cytogenetic location: 11q21.
Variant type: single nucleotide variant.
Coding change: c.903T>A on transcript NM_014679.5 (MANE Select); coding-DNA position 903, T replaced by A.
Protein change: p.His301Gln; replaces histidine 301 with glutamine.
Molecular consequence: missense variant.
Genome position (GRCh38, 1-based): chr11:95,827,803, T>A. VCF-style: chr11-95827803-T-A. GRCh37 (hg19) VCF-style: chr11-95560967-T-A.
Other names: c.876T>A, p.His292Gln (NM_001243776.2); c.825T>A, p.His275Gln (NM_001243777.2); c.822T>A, p.His274Gln (NM_001363604.2); short protein forms H275Q, H301Q, H274Q, H292Q.
Identifiers: ClinVar variation 3831983 (VCV003831983.1).
Genomic context (GRCh38, chr11:95,827,803, plus strand): 5'-AATATAACTTCAATTACTTCTTTCATCATTTTTCTTCCTTTAGTCCACAAGCCCTAGCCA[T>A]GCCGTGGTAGCCAATGTTCAGCTTGTCTTGCATCTAATGAAGCAACACAGTAAAGCTTTG-3'
Protein context (NP_055494.2, residues 291-311): FVAGKSTSPS[His301Gln]AVVANVQLVL

ClinVar aggregate classification (germline): Uncertain significance (1 of 4 stars; one submission).

Conditions:
Inborn genetic diseases. Identifiers: MedGen C0950123, MeSH D030342.

gnomAD v4.1: 2 of 1,614,002 alleles (0.00012%); highest among the groups gnomAD compares: South Asian, 0.0022%; no homozygotes.

Submission:

Ambry Genetics
Classification: Uncertain significance for Inborn genetic diseases. Last evaluated: 2025-02-02. Review status: criteria provided, single submitter. Criteria: Ambry Variant Classification Scheme 2023. Collection method: clinical testing. Allele origin: germline.
Comment: The p.H301Q variant (also known as c.903T>A), located in coding exon 9 of the CEP57 gene, results from a T to A substitution at nucleotide position 903. The histidine at codon 301 is replaced by glutamine, an amino acid with highly similar properties. This amino acid position is conserved. In addition, the in silico prediction for this alteration is inconclusive. Based on the available evidence, the clinical significance of this variant remains unclear.